The following is an entry in ClinVar:

GRCh38/hg38 1q22(chr1:155610587-155746587)x1

Genes: DAP3 (death associated protein 3; plus strand), GON4L (gon-4 like; minus strand), MSTO1 (misato mitochondrial distribution and morphology regulator 1; plus strand), SCARNA26A (small Cajal body-specific RNA 26A; minus strand), YY1AP1 (YY1 associated protein 1; minus strand) and 2 more. Cytogenetic location: 1q22.
Variant type: copy number loss.
Change: copy number 1 (one copy instead of two) of chr1:155,610,587-155,746,587 (136.0 kb, GRCh38 coordinates, 1-based), cytogenetic band 1q22.
Identifiers: ClinVar variation 3571457 (VCV003571457.1).

ClinVar aggregate classification (germline): Pathogenic (1 of 4 stars; one submission).

Conditions:
Mitochondrial myopathy-cerebellar ataxia-pigmentary retinopathy syndrome. Also called: MYOPATHY, MITOCHONDRIAL, AND ATAXIA. Identifiers: Orphanet 502423, MedGen C4540096, MONDO:0044714, OMIM 617675.

Submission:

Broad Center for Mendelian Genomics, Broad Institute of MIT and Harvard
Classification: Pathogenic for Mitochondrial myopathy-cerebellar ataxia-pigmentary retinopathy syndrome. Last evaluated: 2024-12-09. Review status: criteria provided, single submitter. Criteria: ACMG/ClinGen CNV Guidelines, 2019. Collection method: research. Allele origin: paternal. Inheritance: Autosomal recessive inheritance. Affected: yes. Study: GREGoR Consortium.
Comment: The patient phenotype is nonspecific, but is consistent with cases described in the literature and/or published databases with overlapping variants. There is overlap with the 3’ end of the MSTO1 gene including coding sequence. This alteration is then predicted to lead to a truncated or absent protein. Loss of function of the MSTO1 gene is an established disease mechanism in autosomal recessive mitochondrial disease. In summary, this variant meets criteria to be classified as pathogenic for autosomal recessive mitochondrial disease. The ACMG/ClinGen evidence codes and points used in this curation are as follows: 1: 0 points, 2: 0.9 points, 3: 0 points, 4-5: 0.3 points; Total: 1.2 point; Riggs 2020 (PMID: 31690835).